The following is an entry in ClinVar:

ClinVar aggregate classification (germline): Uncertain significance (1 of 4 stars; one submission).

Submission:

Dasa
Classification: Uncertain significance. Last evaluated: 2024-11-19. Review status: criteria provided, single submitter. Criteria: DASA Assertion Criteria. Collection method: clinical testing. Allele origin: germline.
Comment: NM_213720.3(CHCHD10):c.122A>G (p.Gln41Arg) is a missense variant that results in the substitution of glutamine with arginine. This variant is absent from population databases. Computational prediction algorithms are consistent with a benign effect. The currently available literature and clinical evidence are not sufficient to establish a definitive association between this variant and the reported condition. Therefore, this variant is classified as a variant of uncertain significance.

NM_213720.3(CHCHD10):c.122A>G (p.Gln41Arg)

Gene: CHCHD10 (coiled-coil-helix-coiled-coil-helix domain containing 10; minus strand). Cytogenetic location: 22q11.23.
Variant type: single nucleotide variant.
Coding change: c.122A>G on transcript NM_213720.3 (MANE Select); coding-DNA position 122, A replaced by G.
Protein change: p.Gln41Arg; replaces glutamine 41 with arginine.
Molecular consequence: missense variant. On other transcripts: non-coding transcript variant (1).
Genome position (GRCh38, 1-based): chr22:23,767,513, T>C on the plus strand (A>G on the coding strand, the complement: CHCHD10 is on the minus strand). VCF-style: chr22-23767513-T-C. GRCh37 (hg19) VCF-style: chr22-24109700-T-C.
Other names: c.122A>G, p.Gln41Arg (NM_001301339.2); short protein forms Q41R.
Identifiers: ClinVar variation 4883825 (VCV004883825.2).